The following is an entry in ClinVar:

NM_152393.4(KLHL40):c.1608-218A>G

Gene: KLHL40 (kelch like family member 40; plus strand). Cytogenetic location: 3p22.1.
Variant type: single nucleotide variant.
Coding change: c.1608-218A>G on transcript NM_152393.4 (MANE Select); 218 bases into the intron before coding-DNA position 1608, A replaced by G.
Molecular consequence: intron variant.
Genome position (GRCh38, 1-based): chr3:42,690,641, A>G. VCF-style: chr3-42690641-A-G. GRCh37 (hg19) VCF-style: chr3-42732133-A-G.
Identifiers: ClinVar variation 677327 (VCV000677327.1), dbSNP rs17030476, ClinGen allele CA74195999.
Genomic context (GRCh38, chr3:42,690,641, plus strand): 5'-TCAGGAGAGGAGTAGGGGCAGTGGGGAGATCCATGGTGGACTTTGCTGGACAGGTTGGAT[A>G]GAATGGCAAGAGGACAAGGAAAGGAAAGTGGAGGAGCAAGAGAATGGGGAAGGAAGGGAA-3'

ClinVar aggregate classification (germline): Benign (1 of 4 stars; one submission).

Allele frequency attached by ClinVar (database versions not stated): 1000 Genomes Project 30x 0.07027; 1000 Genomes Project 0.07408; gnomAD 0.03967 and 0.04066; TOPMed 0.04556.

Submission:

GeneDx
Classification: Benign. Last evaluated: 2018-06-16. Review status: criteria provided, single submitter. Criteria: GeneDx Variant Classification (06012015). Collection method: clinical testing. Allele origin: germline. Affected: yes.
Comment: This variant is considered likely benign or benign based on one or more of the following criteria: it is a conservative change, it occurs at a poorly conserved position in the protein, it is predicted to be benign by multiple in silico algorithms, and/or has population frequency not consistent with disease.